The following is an entry in ClinVar:

ClinVar aggregate classification (germline): Conflicting classifications of pathogenicity. Review status: criteria provided, conflicting classifications (1 of 4 stars). 7 submissions from 7 submitters: Uncertain significance (1); Benign (1); Likely benign (5). Last evaluated 2026-09-09.

Conditions:
Hereditary pancreatitis (PCTT). Also called: Hereditary chronic pancreatitis; PRSS1-Related Hereditary Pancreatitis. Identifiers: Orphanet 676, MedGen C0238339, MONDO:0008185, OMIM 167800.

Allele frequency attached by ClinVar (database versions not stated): ESP Exome Variant Server 0.00008; gnomAD 0.00024 and 0.00028; TOPMed 0.00039; ExAC 0.00064; 1000 Genomes Project 30x 0.00109; 1000 Genomes Project 0.00120.

Submissions (7):

GeneDx
Classification: Uncertain significance. Last evaluated: 2026-09-09. Review status: criteria provided, single submitter. Criteria: GeneDx Variant Classification Process June 2021. Collection method: clinical testing. Allele origin: germline.
Comment: Observed in individuals with pancreatitis (PMID: 17003641, 24909264, 23455445, 29173301); Published functional studies demonstrate no damaging effect (PMID: 23455445); In silico analysis supports that this missense variant has a deleterious effect on protein structure/function; This variant is associated with the following publications: (PMID: 24669198, 17003641, 24909264, 29173301, 27179223, 20452997, 24002981, 22088471, 23455445, 31521106, 37603299, 20981092, 26546433, 25037001, 19433603, 36338758, 29338689, 35435273, 18702646, 42058267, 40979245)

Labcorp Genetics (formerly Invitae), Labcorp
Classification: Benign for Hereditary pancreatitis. Last evaluated: 2026-01-28. Review status: criteria provided, single submitter. Criteria: Invitae Variant Classification Sherloc (09022015). Collection method: clinical testing. Allele origin: germline.

Blueprint Genetics
Classification: Likely benign. Last evaluated: 2024-08-08. Review status: criteria provided, single submitter. Criteria: ACMG Guidelines, 2015. Collection method: clinical testing. Allele origin: germline.

ARUP Laboratories, Molecular Genetics and Genomics, ARUP Laboratories
Classification: Likely benign. Last evaluated: 2023-03-22. Review status: criteria provided, single submitter. Criteria: ARUP Molecular Germline Variant Investigation Process 2024. Collection method: clinical testing. Allele origin: germline.

Department of Pathology and Laboratory Medicine, Sinai Health System
Classification: Likely benign for Hereditary pancreatitis. Last evaluated: 2021-07-30. Review status: criteria provided, single submitter. Criteria: ACMG Guidelines, 2015. Collection method: research. Allele origin: germline.

Sema4
Classification: Likely benign for Hereditary pancreatitis. Last evaluated: 2021-04-05. Review status: criteria provided, single submitter. Criteria: Sema4 Curation Guidelines. Collection method: curation. Allele origin: germline.

Ambry Genetics
Classification: Likely benign for Hereditary pancreatitis. Last evaluated: 2020-06-30. Review status: criteria provided, single submitter. Criteria: Ambry Variant Classification Scheme 2023. Collection method: clinical testing. Allele origin: germline.

Literature cited by the submitters: PubMed 17003641 (cited by Ambry Genetics); PubMed 23455445 (cited by Ambry Genetics); PubMed 24909264 (cited by Ambry Genetics).

NM_002769.5(PRSS1):c.410C>T (p.Thr137Met)

Genes: PRSS1 (serine protease 1; plus strand), TRB (T cell receptor beta locus; plus strand). Cytogenetic location: 7q34.
Variant type: single nucleotide variant.
Coding change: c.410C>T on transcript NM_002769.5 (MANE Select); coding-DNA position 410, C replaced by T.
Protein change: p.Thr137Met; replaces threonine 137 with methionine.
Molecular consequence: missense variant.
Genome position (GRCh38, 1-based): chr7:142,751,983, C>T. VCF-style: chr7-142751983-C-T. GRCh37 (hg19) VCF-style: chr7-142459834-C-T.
Other names: short protein forms T137M.
Identifiers: ClinVar variation 459184 (VCV000459184.28), dbSNP rs117497341, ClinGen allele CA4529955.
Genomic context (GRCh38, chr7:142,751,983, plus strand): 5'-CAGTAATCAACGCCCGCGTGTCCACCATCTCTCTGCCCACCGCCCCTCCAGCCACTGGCA[C>T]GAAGTGCCTCATCTCTGGCTGGGGCAACACTGCGAGCTCTGGCGGTGAGTGGGACCCTTA-3'
Protein context (NP_002760.1, residues 127-147): SLPTAPPATG[Thr137Met]KCLISGWGNT